The following is an entry in ClinVar:

NM_001160179.2(NAT1):c.445G>A (p.Val149Ile)

Gene: NAT1 (N-acetyltransferase 1; plus strand). Cytogenetic location: 8p22.
Variant type: single nucleotide variant.
Coding change: c.445G>A on transcript NM_001160179.2; coding-DNA position 445, G replaced by A.
Protein change: p.Val149Ile; replaces valine 149 with isoleucine.
Molecular consequence: missense variant (on NM_000662.8).
Genome position (GRCh38, 1-based): chr8:18,222,492, G>A. VCF-style: chr8-18222492-G-A. GRCh37 (hg19) VCF-style: chr8-18080001-G-A.
Other names: c.445G>A, p.Val149Ile (NM_000662.8, NM_001160170.4, NM_001160171.4 and 4 more transcripts); c.631G>A, p.Val211Ile (NM_001160175.4, NM_001160176.4, NM_001291962.2); short protein forms V149I, V211I.
Identifiers: ClinVar variation 17808 (VCV000017808.5), dbSNP rs4987076, ClinGen allele CA127440.

ClinVar aggregate classification (germline): Benign. Review status: criteria provided, multiple submitters, no conflicts (2 of 4 stars). 3 submissions from 3 submitters: Benign (2). 1 of the submissions does not count toward it. Last evaluated 2016-03-28.

Conditions:
NAT1*17 ALLELE.

Allele frequency attached by ClinVar (database versions not stated): 1000 Genomes Project 30x 0.01624; 1000 Genomes Project 0.01697; TOPMed 0.01828; gnomAD exomes 0.02032 and 0.02159; ExAC 0.02090.
gnomAD v4.1: 34,637 of 1,614,078 alleles (2.1%); highest among the groups gnomAD compares: Middle Eastern, 8%; 483 homozygotes.

Submissions (3):

Laboratory for Molecular Medicine, Mass General Brigham Personalized Medicine
Classification: Benign. Last evaluated: 2016-03-28. Review status: criteria provided, single submitter. Criteria: LMM Criteria. Collection method: clinical testing. Allele origin: germline.
Comment: Variant identified in a genome or exome case(s) and assessed due to predicted null impact of the variant or pathogenic assertions in the literature or databases. Disclaimer: This variant has not undergone full assessment. The following are preliminary notes: Frequency

Breakthrough Genomics
Classification: Benign. Review status: criteria provided, single submitter. Criteria: ACMG Guidelines, 2015. Collection method: not provided. Allele origin: germline. Inheritance: Unknown mechanism. Affected: yes.

OMIM
Classification: other for NAT1*17 ALLELE. Last evaluated: 2016-04-20. Review status: no assertion criteria provided. Collection method: literature only. Allele origin: germline. Not counted in ClinVar's aggregate classification.

Literature cited by the submitters: PubMed 9168895 (cited by OMIM).